The following is an entry in ClinVar:

NM_014714.4(IFT140):c.2079G>C (p.Leu693Phe)

Gene: IFT140 (intraflagellar transport 140; minus strand). Cytogenetic location: 16p13.3.
Variant type: single nucleotide variant.
Coding change: c.2079G>C on transcript NM_014714.4 (MANE Select); coding-DNA position 2079, G replaced by C.
Protein change: p.Leu693Phe; replaces leucine 693 with phenylalanine.
Molecular consequence: missense variant.
Genome position (GRCh38, 1-based): chr16:1,562,105, C>G on the plus strand (G>C on the coding strand, the complement: IFT140 is on the minus strand). VCF-style: chr16-1562105-C-G. GRCh37 (hg19) VCF-style: chr16-1612106-C-G.
Other names: c.2079G>C (NM_014714.3); short protein forms L693F.
Identifiers: ClinVar variation 1018885 (VCV001018885.11), dbSNP rs137966471, ClinGen allele CA7814007.
Genomic context (GRCh38, chr16:1,562,105, plus strand): 5'-CCGGGGGAAGCTCTCATGAAGCAGGAAGCCGTGCTCTTCGGAAATGAAGAAGGACAGGAT[C>G]AAAACATCTGCCTGGGAGAGAAAGAAAAGTACTGTTCTGTTTTTTTTTTTAACTTACATA-3'
Protein context (NP_055529.2, residues 683-703): DGRAGPAADV[Leu693Phe]ILSFFISEEH

ClinVar aggregate classification (germline): Uncertain significance. Review status: criteria provided, multiple submitters, no conflicts (2 of 4 stars). 4 submissions from 4 submitters: Uncertain significance (4). Last evaluated 2025-12-04.

Conditions:
IFT140-related disorder. Also called: IFT140-related condition.
Saldino-Mainzer syndrome (SRTD9). Also called: SHORT-RIB THORACIC DYSPLASIA 9 WITHOUT POLYDACTYLY; CONORENAL SYNDROME; short-rib thoracic dysplasia 9 with or without polydactyly; Renal dysplasia, retinal pigmentary dystrophy, cerebellar ataxia and skeletal dysplasia. Identifiers: Orphanet 140969, MedGen C1849437, MONDO:0009964, OMIM 266920.
Retinitis pigmentosa 80 (RP80). Identifiers: MedGen C4540439, MONDO:0054708, OMIM 617781.

Allele frequency attached by ClinVar (database versions not stated): TOPMed 0.00006; gnomAD 0.00007; gnomAD exomes 0.00007; ExAC 0.00008; ESP Exome Variant Server 0.00023.
gnomAD v4.1: 90 of 1,602,720 alleles (0.0056%); highest among the groups gnomAD compares: Non-Finnish European, 0.0071%; no homozygotes.

Submissions (4):

PreventionGenetics, part of Exact Sciences
Classification: Uncertain significance for IFT140-related condition. Last evaluated: 2025-12-04. Review status: criteria provided, single submitter. Criteria: ACMG Guidelines, 2015. Collection method: clinical testing. Allele origin: germline.
Comment: The IFT140 c.2079G>C variant is predicted to result in the amino acid substitution p.Leu693Phe. This variant was reported with another missense variant in an individual with primary ciliary dyskinesia (Wheway et al. 2021. PubMed ID: 34556108). This variant is reported in 0.012% of alleles in individuals of European (Non-Finnish) descent in gnomAD. At this time, the clinical significance of this variant is uncertain due to the absence of conclusive functional and genetic evidence.

Labcorp Genetics (formerly Invitae), Labcorp
Classification: Uncertain significance for Saldino-Mainzer syndrome. Last evaluated: 2025-10-08. Review status: criteria provided, single submitter. Criteria: Invitae Variant Classification Sherloc (09022015). Collection method: clinical testing. Allele origin: germline.
Comment: This sequence change replaces leucine, which is neutral and non-polar, with phenylalanine, which is neutral and non-polar, at codon 693 of the IFT140 protein (p.Leu693Phe). This variant is present in population databases (rs137966471, gnomAD 0.01%). This variant has not been reported in the literature in individuals affected with IFT140-related conditions. ClinVar contains an entry for this variant (Variation ID: 1018885). Invitae Evidence Modeling of protein sequence and biophysical properties (such as structural, functional, and spatial information, amino acid conservation, physicochemical variation, residue mobility, and thermodynamic stability) indicates that this missense variant is not expected to disrupt IFT140 protein function with a negative predictive value of 80%. In summary, the available evidence is currently insufficient to determine the role of this variant in disease. Therefore, it has been classified as a Variant of Uncertain Significance.

Blueprint Genetics
Classification: Uncertain significance. Last evaluated: 2024-07-10. Review status: criteria provided, single submitter. Criteria: ACMG Guidelines, 2015. Collection method: clinical testing. Allele origin: germline.

Fulgent Genetics
Classification: Uncertain significance for Saldino-Mainzer syndrome; Retinitis pigmentosa 80. Last evaluated: 2024-02-21. Review status: criteria provided, single submitter. Criteria: ACMG Guidelines, 2015. Collection method: clinical testing. Allele origin: germline.